The following is an entry in ClinVar:

ClinVar aggregate classification (germline): Uncertain significance. Review status: criteria provided, multiple submitters, no conflicts (2 of 4 stars). 3 submissions from 3 submitters: Uncertain significance (3). Last evaluated 2023-05-31.

Conditions:
Congenital dyserythropoietic anemia type type 1B (CDAN1B). Also called: C15ORF41-Related Congenital Dyserythropoietic Anemia; ANEMIA, CONGENITAL DYSERYTHROPOIETIC, TYPE Ib; CDA, TYPE Ib. Identifiers: Orphanet 98869, MedGen C3810185, MONDO:0014285, OMIM 615631.

Allele frequency attached by ClinVar (database versions not stated): gnomAD exomes 0.00001 and 0.00002; ExAC 0.00003.
gnomAD v4.1: 7 of 1,608,586 alleles (0.00044%); highest among the groups gnomAD compares: Non-Finnish European, 0.0006%; no homozygotes.

Submissions (3):

Mayo Clinic Laboratories, Mayo Clinic
Classification: Uncertain significance. Last evaluated: 2023-05-31. Review status: criteria provided, single submitter. Criteria: ACMG Guidelines, 2015. Collection method: clinical testing. Allele origin: germline. Observed: 1 variant allele.
Comment: PP3, PM2_moderate

Revvity Omics, Revvity
Classification: Uncertain significance for Congenital dyserythropoietic anemia type type 1B. Last evaluated: 2022-03-21. Review status: criteria provided, single submitter. Criteria: ACMG Guidelines, 2015. Collection method: clinical testing. Allele origin: germline.

SIB Swiss Institute of Bioinformatics
Classification: Uncertain significance for Congenital dyserythropoietic anemia type type 1B. Last evaluated: 2019-07-11. Review status: criteria provided, single submitter. Criteria: ACMG Guidelines, 2015. Collection method: curation. Allele origin: unknown.
Comment: This variant is interpreted as a variant of uncertain significance for congenital dyserythropoietic anemia type Ib, autosomal recessive. The following ACMG Tag(s) were applied: PM2; PP3.

Literature cited by the submitters: PubMed 29885034 (cited by Mayo Clinic Laboratories, Mayo Clinic and SIB Swiss Institute of Bioinformatics).

NM_001321759.2(CDIN1):c.707A>G (p.Tyr236Cys)

Gene: CDIN1 (CDAN1 interacting nuclease 1; plus strand). Cytogenetic location: 15q14.
Variant type: single nucleotide variant.
Coding change: c.707A>G on transcript NM_001321759.2 (MANE Select); coding-DNA position 707, A replaced by G.
Protein change: p.Tyr236Cys; replaces tyrosine 236 with cysteine.
Molecular consequence: missense variant. On other transcripts: intron variant (1).
Genome position (GRCh38, 1-based): chr15:36,709,952, A>G. VCF-style: chr15-36709952-A-G. GRCh37 (hg19) VCF-style: chr15-37002153-A-G.
Other names: p.Tyr236Cys; c.707A>G, p.Tyr236Cys (NM_001130010.3, NM_001290233.2); c.413A>G, p.Tyr138Cys (NM_001290232.2, NM_001321756.2, NM_032499.6); c.338A>G, p.Tyr113Cys (NM_001321757.2); c.596A>G, p.Tyr199Cys (NM_001321758.2); c.725A>G, p.Tyr242Cys (NM_001321761.2); c.610+664A>G (NM_001321760.2); short protein forms Y113C, Y138C, Y199C, Y236C, Y242C.
Identifiers: ClinVar variation 692136 (VCV000692136.3), dbSNP rs768744226, ClinGen allele CA7468983.